The following is an entry in ClinVar:

ClinVar aggregate classification (germline): Uncertain significance (1 of 4 stars; one submission).

Conditions:
Holoprosencephaly 2 (HPE2). Identifiers: Orphanet 2162, MedGen C1834877, MONDO:0007999, OMIM 157170.

Submission:

Labcorp Genetics (formerly Invitae), Labcorp
Classification: Uncertain significance for Holoprosencephaly 2. Last evaluated: 2023-05-12. Review status: criteria provided, single submitter. Criteria: Invitae Variant Classification Sherloc (09022015). Collection method: clinical testing. Allele origin: germline.
Comment: This sequence change replaces asparagine, which is neutral and polar, with tyrosine, which is neutral and polar, at codon 52 of the SIX3 protein (p.Asn52Tyr). This variant is not present in population databases (gnomAD no frequency). This variant has not been reported in the literature in individuals affected with SIX3-related conditions. Advanced modeling of protein sequence and biophysical properties (such as structural, functional, and spatial information, amino acid conservation, physicochemical variation, residue mobility, and thermodynamic stability) performed at Invitae indicates that this missense variant is not expected to disrupt SIX3 protein function. In summary, the available evidence is currently insufficient to determine the role of this variant in disease. Therefore, it has been classified as a Variant of Uncertain Significance.

NM_005413.4(SIX3):c.154A>T (p.Asn52Tyr)

Gene: SIX3 (SIX homeobox 3; plus strand). Cytogenetic location: 2p21.
Variant type: single nucleotide variant.
Coding change: c.154A>T on transcript NM_005413.4 (MANE Select); coding-DNA position 154, A replaced by T.
Protein change: p.Asn52Tyr; replaces asparagine 52 with tyrosine.
Molecular consequence: missense variant.
Genome position (GRCh38, 1-based): chr2:44,942,258, A>T. VCF-style: chr2-44942258-A-T. GRCh37 (hg19) VCF-style: chr2-45169397-A-T.
Other names: short protein forms N52Y.
Identifiers: ClinVar variation 2855879 (VCV002855879.3), dbSNP rs2466513332, ClinGen allele CA346798983.
Genomic context (GRCh38, chr2:44,942,258, plus strand): 5'-AGCGGCGGCGGGAACGGTGCGGGAGGCGGCGGCGGCGCGGGAGGCGGCAGCGGCGGCGGG[A>T]ACGGTGCGGGAGGCGGCGGTGCTGGCGGAGCAGGCGGCGGCGGCGGCGGCGGCTCCAGGG-3'
Protein context (NP_005404.1, residues 42-62): GGAGGGSGGG[Asn52Tyr]GAGGGGAGGA